The following is an entry in ClinVar:

Multiple alleles

Variant type: CompoundHeterozygote.
Identifiers: ClinVar variation 430723 (VCV000430723.4).

ClinVar aggregate classification (germline): Likely pathogenic (0 of 4 stars; one submission).

Conditions:
Autosomal recessive nonsyndromic hearing loss 63. Identifiers: Orphanet 90636, MedGen C1969621, MONDO:0012670, OMIM 611451.

Submission:

Foundation for Research in Genetics and Endocrinology, FRIGE's Institute of Human Genetics
Classification: Likely pathogenic for Autosomal recessive nonsyndromic hearing loss 63. Last evaluated: 2016-08-31. Review status: no assertion criteria provided. Collection method: clinical testing. Allele origin: germline. Inheritance: Autosomal recessive inheritance. Affected: yes. Observed: 1 variant allele, 1 compound heterozygote.
Comment: MYH9 gene: The mutation c.922G>A (p.V308I) in exon 9 of MYH9 gene is reported in 1000 genome (0.04%) and ExAc (0.01%) databases and it is found to be pathogenic by Mutation Taster2, SIFT, Polyphen2 and LRT. The dbSNP number of this mutation is rs577429531. LRTOMT gene: The variant c.613_614insAGCT in exon 9 of LRTOMT gene is not reported in 1000 Genome and ExAC databases and it is found to be damaging by Mutation Taster2. The dbSNP number of this mutation is rs797044907.